The following is an entry in ClinVar:

NM_005802.5(TOPORS):c.131C>T (p.Pro44Leu)

Gene: TOPORS (TOP1 binding arginine/serine rich protein, E3 ubiquitin ligase; minus strand). Cytogenetic location: 9p21.1.
Variant type: single nucleotide variant.
Coding change: c.131C>T on transcript NM_005802.5 (MANE Select); coding-DNA position 131, C replaced by T.
Protein change: p.Pro44Leu; replaces proline 44 with leucine.
Molecular consequence: missense variant. On other transcripts: intron variant (1).
Genome position (GRCh38, 1-based): chr9:32,550,841, G>A on the plus strand (C>T on the coding strand, the complement: TOPORS is on the minus strand). VCF-style: chr9-32550841-G-A. GRCh37 (hg19) VCF-style: chr9-32550839-G-A.
Other names: c.3+1593C>T (NM_001195622.2); short protein forms P44L.
Identifiers: ClinVar variation 2119563 (VCV002119563.4), dbSNP rs952765710, ClinGen allele CA192365647.
Genomic context (GRCh38, chr9:32,550,841, plus strand): 5'-GATGCCGGCGCAGGCCTGGCTGGGGCGCTCGCCGCGAGCTCCCGGCAGCCCAGAAAGCTA[G>A]GTCGGTGTCGGCAGGATCCGCGAAGGCGTACCCGGCGACTTCTCCGCCTACCCTCCGAAG-3'
Protein context (NP_005793.2, residues 34-54): VRLRGSCRHR[Pro44Leu]SFLGCRELAA

ClinVar aggregate classification (germline): Uncertain significance (1 of 4 stars; one submission).

Allele frequency attached by ClinVar (database versions not stated): TOPMed below 0.00001.

Submission:

Labcorp Genetics (formerly Invitae), Labcorp
Classification: Uncertain significance. Last evaluated: 2025-04-03. Review status: criteria provided, single submitter. Criteria: Invitae Variant Classification Sherloc (09022015). Collection method: clinical testing. Allele origin: germline.
Comment: This sequence change replaces proline, which is neutral and non-polar, with leucine, which is neutral and non-polar, at codon 44 of the TOPORS protein (p.Pro44Leu). This variant is not present in population databases (gnomAD no frequency). This variant has not been reported in the literature in individuals affected with TOPORS-related conditions. ClinVar contains an entry for this variant (Variation ID: 2119563). An algorithm developed to predict the effect of missense changes on protein structure and function (PolyPhen-2) suggests that this variant is likely to be disruptive. In summary, the available evidence is currently insufficient to determine the role of this variant in disease. Therefore, it has been classified as a Variant of Uncertain Significance.